The following is an entry in ClinVar:

NM_001276270.2(MBD4):c.105-16G>A

Gene: MBD4 (methyl-CpG binding domain 4, DNA glycosylase; minus strand). Cytogenetic location: 3q21.3.
Variant type: single nucleotide variant.
Coding change: c.105-16G>A on transcript NM_001276270.2 (MANE Select); 16 bases into the intron before coding-DNA position 105, G replaced by A.
Molecular consequence: intron variant.
Genome position (GRCh38, 1-based): chr3:129,437,966, C>T on the plus strand (G>A on the coding strand, the complement: MBD4 is on the minus strand). VCF-style: chr3-129437966-C-T. GRCh37 (hg19) VCF-style: chr3-129156809-C-T.
Other names: c.105-16G>A (NM_001276273.2, NM_001276272.2, NM_003925.3 and 1 more transcripts).
Identifiers: ClinVar variation 2877777 (VCV002877777.4), dbSNP rs377434029, ClinGen allele CA82637742.

ClinVar aggregate classification (germline): Likely benign. Review status: criteria provided, multiple submitters, no conflicts (2 of 4 stars). 2 submissions from 2 submitters: Likely benign (2). Last evaluated 2026-06-08.

Conditions:
Tumor predisposition syndrome 2 (TPDS2). Also called: MBD4-ASSOCIATED NEOPLASIA SYNDROME; MBD4-Related Tumor Predisposition Syndrome; MBD4-associated neoplasia syndrome (MANS). Identifiers: Orphanet 661526, MedGen C5774186, MONDO:0859267, OMIM 619975.

Allele frequency attached by ClinVar (database versions not stated): gnomAD exomes 0.00001; gnomAD 0.00003; TOPMed 0.00003; ESP Exome Variant Server 0.00008.
gnomAD v4.1: 18 of 1,465,730 alleles (0.0012%); highest among the groups gnomAD compares: African/African-American, 0.0028%; no homozygotes.

Submissions (2):

Myriad Genetics, Inc.
Classification: Likely benign for Tumor predisposition syndrome 2. Last evaluated: 2026-06-08. Review status: criteria provided, single submitter. Criteria: Myriad Autosomal Dominant, Autosomal Recessive and X-Linked Classification Criteria (2023). Collection method: clinical testing. Allele origin: unknown.
Comment: This variant is considered likely benign. This variant is intronic and is not expected to impact mRNA splicing.

Labcorp Genetics (formerly Invitae), Labcorp
Classification: Likely benign. Last evaluated: 2026-01-21. Review status: criteria provided, single submitter. Criteria: Invitae Variant Classification Sherloc (09022015). Collection method: clinical testing. Allele origin: germline.